The following is an entry in ClinVar:

ClinVar aggregate classification (germline): Conflicting classifications of pathogenicity. Review status: criteria provided, conflicting classifications (1 of 4 stars). 3 submissions from 3 submitters: Uncertain significance (1); Likely benign (1). 1 of the submissions does not count toward it. Last evaluated 2022-03-08.

Conditions:
Pancytopenia due to IKZF1 mutations. Also called: Immunodeficiency, common variable, 13. Identifiers: Orphanet 317473, MedGen C4225173, MONDO:0014810, OMIM 616873.
IKZF1-related disorder. Also called: IKZF1-related condition.

Allele frequency attached by ClinVar (database versions not stated): gnomAD exomes below 0.00001.
gnomAD v4.1: 4 of 1,613,654 alleles (0.00025%); highest among the groups gnomAD compares: Non-Finnish European, 0.00034%; no homozygotes.

Submissions (3):

ARUP Laboratories, Molecular Genetics and Genomics, ARUP Laboratories
Classification: Likely benign for Pancytopenia due to IKZF1 mutations. Last evaluated: 2022-03-08. Review status: criteria provided, single submitter. Criteria: ARUP Molecular Germline Variant Investigation Process 2021. Collection method: clinical testing. Allele origin: germline.

GeneDx
Classification: Uncertain significance. Last evaluated: 2017-02-13. Review status: criteria provided, single submitter. Criteria: GeneDx Variant Classification (06012015). Collection method: clinical testing. Allele origin: germline. Affected: yes.
Comment: The c.825 G>A variant in the IKZF1 gene has not been reported previously as a pathogenic variant, nor as a benign variant, to our knowledge. The c.825 G>A variant is not observed in large population cohorts (Lek et al., 2016; 1000 Genomes Consortium et al., 2015; Exome Variant Server). This substitution occurs at a nucleotide position that is conserved across species. In-silico splice prediction models predict that c.825 G>A may damage or destroy the splice donor site in intron 5 in an alternate transcript of the IKZF1 gene (NM_001220767.2), which may cause abnormal gene splicing. However, in the absence of RNA/functional studies, the actual effect of the c.825 G>A change in this individual is unknown. We interpret c.825 G>A as a variant of uncertain significance.

PreventionGenetics, part of Exact Sciences
Classification: Uncertain significance for IKZF1-related condition. Last evaluated: 2024-06-06. Review status: no assertion criteria provided. Collection method: clinical testing. Allele origin: germline. Not counted in ClinVar's aggregate classification.
Comment: The IKZF1 c.825G>A variant is not predicted to result in an amino acid change (p.=). This variant is predicted to alter splicing based on available splicing prediction programs (SpliceAI, Jaganathan et al. 2019. PubMed ID: 30661751). However, such computer prediction programs are imperfect. To our knowledge, this variant has not been reported in the literature. This variant is reported in 0.00089% of alleles in individuals of European (Non-Finnish) descent in gnomAD. At this time, the clinical significance of this variant is uncertain due to the absence of conclusive functional and genetic evidence.

NM_006060.6(IKZF1):c.825G>A (p.Lys275=)

Gene: IKZF1 (IKAROS family zinc finger 1; plus strand). Cytogenetic location: 7p12.2.
Variant type: single nucleotide variant.
Coding change: c.825G>A on transcript NM_006060.6 (MANE Select); coding-DNA position 825, G replaced by A.
Protein change: p.Lys275=; no amino-acid change (lysine 275 retained).
Molecular consequence: synonymous variant. On other transcripts: intron variant (7).
Genome position (GRCh38, 1-based): chr7:50,391,838, G>A. VCF-style: chr7-50391838-G-A. GRCh37 (hg19) VCF-style: chr7-50459536-G-A.
Other names: c.699G>A, p.Lys233= (NM_001220765.3, NM_001291837.2); c.564G>A, p.Lys188= (NM_001291838.2); c.438G>A, p.Lys146= (NM_001291839.2); c.396G>A, p.Lys132= (NM_001291841.1); c.270G>A, p.Lys90= (NM_001291843.1); c.590-8080G>A (NM_001220768.2); c.422-8080G>A (NM_001220771.2); c.559+5G>A (NM_001220767.2); and 4 more.
Identifiers: ClinVar variation 423249 (VCV000423249.6), dbSNP rs1064796324, ClinGen allele CA16618479.
Genomic context (GRCh38, chr7:50,391,838, plus strand): 5'-GATAGGATCAGAGAGATCTCTCGTGCTGGACAGACTAGCAAGTAACGTCGCCAAACGTAA[G>A]AGCTCTATGCCTCAGAAATTTCTTGGTAAGAGTTAAATGTTTGCTGTCTCTTAAAAAAAA-3'
Protein context (NP_006051.1, residues 265-285): DRLASNVAKR[Lys275=]SSMPQKFLGD